The following is an entry in ClinVar:

NM_000234.3(LIG1):c.332T>C (p.Met111Thr)

Gene: LIG1 (DNA ligase 1; minus strand). Cytogenetic location: 19q13.33.
Variant type: single nucleotide variant.
Coding change: c.332T>C on transcript NM_000234.3 (MANE Select); coding-DNA position 332, T replaced by C.
Protein change: p.Met111Thr; replaces methionine 111 with threonine.
Molecular consequence: missense variant. On other transcripts: non-coding transcript variant (6).
Genome position (GRCh38, 1-based): chr19:48,157,052, A>G on the plus strand (T>C on the coding strand, the complement: LIG1 is on the minus strand). VCF-style: chr19-48157052-A-G. GRCh37 (hg19) VCF-style: chr19-48660309-A-G.
Other names: c.242T>C, p.Met81Thr (NM_001289063.2, NM_001320971.2); c.332T>C, p.Met111Thr (NM_001289064.2, NM_001320970.2); short protein forms M111T, M81T.
Identifiers: ClinVar variation 1912157 (VCV001912157.2), dbSNP rs373028526, ClinGen allele CA9547351.

ClinVar aggregate classification (germline): Uncertain significance (1 of 4 stars; one submission).

Allele frequency attached by ClinVar (database versions not stated): gnomAD 0.00001; TOPMed 0.00001; gnomAD exomes 0.00002; ExAC 0.00007; ESP Exome Variant Server 0.00008.

Submission:

Labcorp Genetics (formerly Invitae), Labcorp
Classification: Uncertain significance. Last evaluated: 2022-08-03. Review status: criteria provided, single submitter. Criteria: Invitae Variant Classification Sherloc (09022015). Collection method: clinical testing. Allele origin: germline.
Comment: This sequence change replaces methionine, which is neutral and non-polar, with threonine, which is neutral and polar, at codon 111 of the LIG1 protein (p.Met111Thr). This variant is present in population databases (rs373028526, gnomAD 0.05%). This variant has not been reported in the literature in individuals affected with LIG1-related conditions. Algorithms developed to predict the effect of missense changes on protein structure and function output the following: SIFT: "Tolerated"; PolyPhen-2: "Benign"; Align-GVGD: "Class C0". The threonine amino acid residue is found in multiple mammalian species, which suggests that this missense change does not adversely affect protein function. In summary, the available evidence is currently insufficient to determine the role of this variant in disease. Therefore, it has been classified as a Variant of Uncertain Significance.